The following is an entry in ClinVar:

ClinVar aggregate classification (germline): Uncertain significance (1 of 4 stars; one submission).

Conditions:
Heterotopia, periventricular, X-linked dominant (PVNH1). Also called: PERIVENTRICULAR NODULAR HETEROTOPIA 4; HETEROTOPIA, PERIVENTRICULAR, 1; PERIVENTRICULAR NODULAR HETEROTOPIA 1; X-linked periventricular heterotopia. Identifiers: Orphanet 2149, Orphanet 82004, MedGen C1848213, MONDO:0010233, OMIM 300049.
Oto-palato-digital syndrome, type II (OPD2). Also called: Otopalatodigital Syndrome, Type II; FACIOPALATOOSSEOUS SYNDROME; OPD II SYNDROME; Otopalatodigital Syndrome Type 2 (FLNA-OPD2). Identifiers: Orphanet 669, Orphanet 90652, MedGen C1844696, MONDO:0010571, OMIM 304120.
Melnick-Needles syndrome (MNS). Also called: MELNICK-NEEDLES OSTEODYSPLASTY; OSTEODYSPLASTY OF MELNICK AND NEEDLES; Melnick-Needles Syndrome (FLNA-MNS). Identifiers: Orphanet 2484, MedGen C0025237, MONDO:0010650, OMIM 309350.
Frontometaphyseal dysplasia (FMD1). Identifiers: Orphanet 1826, MedGen C0265293, MONDO:0015942.

Submission:

Labcorp Genetics (formerly Invitae), Labcorp
Classification: Uncertain significance for Oto-palato-digital syndrome, type II; Heterotopia, periventricular, X-linked dominant; Frontometaphyseal dysplasia; Melnick-Needles syndrome. Last evaluated: 2025-05-30. Review status: criteria provided, single submitter. Criteria: Invitae Variant Classification Sherloc (09022015). Collection method: clinical testing. Allele origin: germline.
Comment: This sequence change affects codon 505 of the FLNA mRNA. It is a 'silent' change, meaning that it does not change the encoded amino acid sequence of the FLNA protein. This variant is not present in population databases (gnomAD no frequency). This variant has not been reported in the literature in individuals affected with FLNA-related conditions. Algorithms developed to predict the effect of sequence changes on RNA splicing suggest that this variant may create or strengthen a splice site. In summary, the available evidence is currently insufficient to determine the role of this variant in disease. Therefore, it has been classified as a Variant of Uncertain Significance.

NM_001110556.2(FLNA):c.1515G>A (p.Val505=)

Gene: FLNA (filamin A; minus strand). Cytogenetic location: Xq28.
Variant type: single nucleotide variant.
Coding change: c.1515G>A on transcript NM_001110556.2 (MANE Select); coding-DNA position 1515, G replaced by A.
Protein change: p.Val505=; no amino-acid change (valine 505 retained).
Molecular consequence: synonymous variant.
Genome position (GRCh38, 1-based): chrX:154,365,401, C>T on the plus strand (G>A on the coding strand, the complement: FLNA is on the minus strand). VCF-style: chrX-154365401-C-T. GRCh37 (hg19) VCF-style: chrX-153593769-C-T.
Other names: c.1515G>A, p.Val505= (NM_001456.4).
Identifiers: ClinVar variation 4783481 (VCV004783481.1).